The following is an entry in ClinVar:

NM_004415.4(DSP):c.2619G>A (p.Gln873=)

Gene: DSP (desmoplakin; plus strand). Cytogenetic location: 6p24.3.
Variant type: single nucleotide variant.
Coding change: c.2619G>A on transcript NM_004415.4 (MANE Select); coding-DNA position 2619, G replaced by A.
Protein change: p.Gln873=; no amino-acid change (glutamine 873 retained).
Molecular consequence: synonymous variant.
Genome position (GRCh38, 1-based): chr6:7,575,477, G>A. VCF-style: chr6-7575477-G-A. GRCh37 (hg19) VCF-style: chr6-7575710-G-A.
Other names: c.2619G>A, p.Gln873= (NM_001008844.3, NM_001319034.2).
Identifiers: ClinVar variation 2775288 (VCV002775288.2), dbSNP rs1195561524, ClinGen allele CA448528019.

ClinVar aggregate classification (germline): Uncertain significance (1 of 4 stars; one submission).

Conditions:
Cardiomyopathy (CMYO). Also called: Cardiomyopathies. Identifiers: Orphanet 167848, MedGen C0878544, MONDO:0004994, HP:0001638. Inheritance: Various modes of inheritance.

Allele frequency attached by ClinVar (database versions not stated): gnomAD exomes below 0.00001; gnomAD 0.00001; TOPMed 0.00001.
gnomAD v4.1: 6 of 1,614,032 alleles (0.00037%); highest among the groups gnomAD compares: Non-Finnish European, 0.00051%; no homozygotes.

Submission:

Color Diagnostics, LLC DBA Color Health
Classification: Uncertain significance for Cardiomyopathy. Last evaluated: 2022-11-07. Review status: criteria provided, single submitter. Criteria: ACMG Guidelines, 2015. Collection method: clinical testing. Allele origin: germline.
Comment: This synonymous variant is located in the DSP gene. To our knowledge, functional studies have not been reported for this variant. This variant has not been reported in individuals affected with DSP-related disorders in the literature. This variant has been identified in 2/282574 chromosomes in the general population by the Genome Aggregation Database (gnomAD). The available evidence is insufficient to determine the role of this variant in disease conclusively. Therefore, this variant is classified as a Variant of Uncertain Significance.